The following is an entry in ClinVar:

ClinVar aggregate classification (germline): Benign. Review status: criteria provided, multiple submitters, no conflicts (2 of 4 stars). 3 submissions from 3 submitters: Benign (2). 1 of the submissions does not count toward it. Last evaluated 2019-12-31.

Conditions:
CELSR1-related disorder. Also called: CELSR1-related condition.

Allele frequency attached by ClinVar (database versions not stated): gnomAD exomes 0.00802 and 0.00305; gnomAD 0.03024 and 0.03244; TOPMed 0.03395; 1000 Genomes Project 30x 0.04044; ESP Exome Variant Server 0.03349; 1000 Genomes Project 0.03694; ExAC 0.00985.
gnomAD v4.1: 9,256 of 1,612,320 alleles (0.57%); highest among the groups gnomAD compares: African/African-American, 10%; 405 homozygotes.

Submissions (3):

Labcorp Genetics (formerly Invitae), Labcorp
Classification: Benign. Last evaluated: 2019-12-31. Review status: criteria provided, single submitter. Criteria: Invitae Variant Classification Sherloc (09022015). Collection method: clinical testing. Allele origin: germline.

Breakthrough Genomics
Classification: Benign. Review status: criteria provided, single submitter. Criteria: ACMG Guidelines, 2015. Collection method: not provided. Allele origin: germline. Inheritance: Autosomal dominant inheritance. Affected: yes.

PreventionGenetics, part of Exact Sciences
Classification: Benign for CELSR1-related condition. Last evaluated: 2020-02-26. Review status: no assertion criteria provided. Collection method: clinical testing. Allele origin: germline. Not counted in ClinVar's aggregate classification.
Comment: This variant is classified as benign based on ACMG/AMP sequence variant interpretation guidelines (Richards et al. 2015 PMID: 25741868, with internal and published modifications).

NM_001378328.1(CELSR1):c.8961G>A (p.Pro2987=)

Gene: CELSR1 (cadherin EGF LAG seven-pass G-type receptor 1; minus strand). Cytogenetic location: 22q13.31.
Variant type: single nucleotide variant.
Coding change: c.8961G>A on transcript NM_001378328.1 (MANE Select); coding-DNA position 8961, G replaced by A.
Protein change: p.Pro2987=; no amino-acid change (proline 2987 retained).
Molecular consequence: synonymous variant.
Genome position (GRCh38, 1-based): chr22:46,364,070, C>T on the plus strand (G>A on the coding strand, the complement: CELSR1 is on the minus strand). VCF-style: chr22-46364070-C-T. GRCh37 (hg19) VCF-style: chr22-46759967-C-T.
Other names: c.8961G>A, p.Pro2987= (NM_014246.4).
Identifiers: ClinVar variation 782760 (VCV000782760.7), dbSNP rs28495011, ClinGen allele CA10292567.
Genomic context (GRCh38, chr22:46,364,070, plus strand): 5'-ATCGGCCTGGGCGCTCCCAGTGCGCACATTCATGGCCACCCCGTTGAGGTGGTCACGCCC[C>T]GGCTCCCTCCCAGGGCTCTTGACTGTGATGGCGCAGTCGGGGCCGCCAGAGCCCAGGGAA-3'
Protein context (NP_001365257.1, residues 2977-2997): AITVKSPGRE[Pro2987=]GRDHLNGVAM